The following is an entry in ClinVar:

NM_174878.3(CLRN1):c.661G>A (p.Ala221Thr)

Gene: CLRN1 (clarin 1; minus strand). Cytogenetic location: 3q25.1.
Variant type: single nucleotide variant.
Coding change: c.661G>A on transcript NM_174878.3 (MANE Select); coding-DNA position 661, G replaced by A.
Protein change: p.Ala221Thr; replaces alanine 221 with threonine.
Molecular consequence: missense variant. On other transcripts: 3 prime UTR variant (1), non-coding transcript variant (1), intron variant (1).
Genome position (GRCh38, 1-based): chr3:150,927,974, C>T on the plus strand (G>A on the coding strand, the complement: CLRN1 is on the minus strand). VCF-style: chr3-150927974-C-T. GRCh37 (hg19) VCF-style: chr3-150645761-C-T.
Other names: c.700G>A, p.Ala234Thr (NM_001195794.1); c.*275G>A (NM_001256819.2); c.342+91G>A (NM_052995.2); short protein forms A221T, A234T.
Identifiers: ClinVar variation 3767809 (VCV003767809.3).
Genomic context (GRCh38, chr3:150,927,974, plus strand): 5'-AAATTATAGAAAGGTTTGCCTTTCAGTACATTAGATCTGCAGCTACATTAGTTGTTTCTG[C>T]GTCTTTAGATTTTGCAAAAGGGAACTGAAATCCAGCAAGTCGTATTAGGAGCCCATTCAG-3'
Protein context (NP_777367.1, residues 211-231): FQFPFAKSKD[Ala221Thr]ETTNVAADLM

ClinVar aggregate classification (germline): Uncertain significance. Review status: criteria provided, multiple submitters, no conflicts (2 of 4 stars). 3 submissions from 3 submitters: Uncertain significance (3). Last evaluated 2024-09-10.

Conditions:
Usher syndrome type 3. Also called: Usher Syndrome, Type III. Identifiers: Orphanet 231183, MedGen C1568248, MONDO:0016485.

gnomAD v4.1: 24 of 1,614,004 alleles (0.0015%); highest among the groups gnomAD compares: African/African-American, 0.0027%; no homozygotes.

Submissions (3):

GeneDx
Classification: Uncertain significance. Last evaluated: 2024-09-10. Review status: criteria provided, single submitter. Criteria: GeneDx Variant Classification Process June 2021. Collection method: clinical testing. Allele origin: germline. Affected: yes.
Comment: Not observed at significant frequency in large population cohorts (gnomAD); In silico analysis indicates that this missense variant does not alter protein structure/function; Has not been previously published as pathogenic or benign to our knowledge

Department of Pathology and Laboratory Medicine, Sinai Health System
Classification: Uncertain significance for Usher syndrome type 3. Last evaluated: 2021-12-22. Review status: criteria provided, single submitter. Criteria: ACMG Guidelines, 2015. Collection method: research. Allele origin: germline.

Blueprint Genetics
Classification: Uncertain significance. Last evaluated: 2019-01-28. Review status: criteria provided, single submitter. Criteria: ACMG Guidelines, 2015. Collection method: clinical testing. Allele origin: germline.